The following is an entry in ClinVar:

ClinVar aggregate classification (germline): Pathogenic/Likely pathogenic. Review status: criteria provided, multiple submitters, no conflicts (2 of 4 stars). 17 submissions from 17 submitters: Pathogenic (8); Likely pathogenic (7). 2 of the submissions do not count toward it. Last evaluated 2025-11-02.

Conditions:
Lateral meningocele syndrome (LMNS). Also called: NOTCH3-Related Lateral Meningocele Syndrome. Identifiers: Orphanet 2789, MedGen C1851710, MONDO:0007537, OMIM 130720.
Cerebral arteriopathy, autosomal dominant, with subcortical infarcts and leukoencephalopathy, type 1 (CADASIL1). Also called: CADASIL 1; CASIL; Cerebral arteriopathy with subcortical infarcts and leukoencephalopathy 1; DEMENTIA, HEREDITARY MULTIINFARCT TYPE. Identifiers: Orphanet 136, MedGen C4551768, MONDO:0000914, OMIM 125310.
Myofibromatosis, infantile, 2. Identifiers: Orphanet 2591, MedGen C3809084, MONDO:0014122, OMIM 615293.
NOTCH3-related disorder. Also called: NOTCH3-related condition; NOTCH3-related disorders.
Cerebral arteriopathy with subcortical infarcts and leukoencephalopathy. Also called: Cerebral autosomal dominant arteriopathy with subcortical infarcts and leukoencephalopathy. Identifiers: MedGen C0751587, MONDO:0007432.

Allele frequency attached by ClinVar (database versions not stated): gnomAD 0.00001; ExAC 0.00001; TOPMed 0.00002; gnomAD exomes 0.00001.
gnomAD v4.1: 10 of 1,613,076 alleles (0.00062%); highest among the groups gnomAD compares: East Asian, 0.0022%; no homozygotes.

Submissions 1 to 10 of 17:

Labcorp Genetics (formerly Invitae), Labcorp
Classification: Pathogenic. Last evaluated: 2025-11-02. Review status: criteria provided, single submitter. Criteria: Invitae Variant Classification Sherloc (09022015). Collection method: clinical testing. Allele origin: germline.
Comment: This sequence change replaces arginine, which is basic and polar, with cysteine, which is neutral and slightly polar, at codon 207 of the NOTCH3 protein (p.Arg207Cys). This variant is present in population databases (rs775267348, gnomAD 0.002%). This missense change has been observed in individuals with autosomal dominant CADASIL (PMID: 15834039, 16009764, 20935329, 27890607). ClinVar contains an entry for this variant (Variation ID: 447862). Invitae Evidence Modeling of protein sequence and biophysical properties (such as structural, functional, and spatial information, amino acid conservation, physicochemical variation, residue mobility, and thermodynamic stability) indicates that this missense variant is expected to disrupt NOTCH3 protein function with a positive predictive value of 95%. For these reasons, this variant has been classified as Pathogenic.

Genetics Laboratory, Great Ormond Street Hospital NHS Foundation Trust, North Thames Genomic Laboratory Hub
Classification: Pathogenic for CADASIL. Last evaluated: 2025-08-20. Review status: criteria provided, single submitter. Criteria: ACGS Best Practice Guidelines for Variant Classification in Rare Disease 2024 v1.2. Collection method: clinical testing. Allele origin: germline. Affected: yes.
Comment: PS4_supporting, PM2_moderate, PP3_supporting, PM1_strong, PP2_supporting, PP1_moderate

Variantyx, Inc.
Classification: Likely pathogenic for Cerebral arteriopathy, autosomal dominant, with subcortical infarcts and leukoencephalopathy, type 1. Last evaluated: 2025-08-10. Review status: criteria provided, single submitter. Criteria: Variantyx Assertion Criteria 2022. Collection method: clinical testing. Allele origin: germline. Inheritance: Autosomal dominant inheritance. Affected: yes.
Comment: This is a nonsynonymous variant in the NOTCH3 gene (OMIM: 600276). Pathogenic variants in this gene have been associated with autosomal dominant cerebral arteriopathy with subcortical infarcts and leukoencephalopathy 1. This variant has been reported in at least 4 unrelated affected individuals (PMID: 15834039, 20935329, 27890607) (PS4_Moderate). This variant lies within a known hotspot for pathogenic variants or a well-established critical functional domain of the NOTCH3 protein (PMID: 19174371, 28710804, 15364702) (PM1), and multiple computational algorithms predict a deleterious effect for this variant (REVEL score: 0.78) (PP3). This variant has a 0.0022% maximum allele frequency in non-founder control populations (PM2). Based on the current evidence, this variant is classified as likely pathogenic for autosomal dominant cerebral arteriopathy with subcortical infarcts and leukoencephalopathy 1.

ARUP Laboratories, Molecular Genetics and Genomics, ARUP Laboratories
Classification: Likely pathogenic. Last evaluated: 2025-02-13. Review status: criteria provided, single submitter. Criteria: ARUP Molecular Germline Variant Investigation Process 2024. Collection method: clinical testing. Allele origin: germline.
Comment: The NOTCH3 c.619C>T; p.Arg207Cys variant (rs775267348; ClinVar Variation ID: 447862) is reported in the literature in multiple individuals and families affected with CADASIL (Dotti 2005, Escary 2000, Graveijstein 2022, Joutel 2001, Juhosova 2023, Matsushima 2017, Mukai 2020, Oberstein 1999, Opherk 2004, Singhal 2004). This variant is only observed on two alleles in the Genome Aggregation Database (v2.1.1), indicating it is not a common polymorphism. Computational analyses predict that this variant is deleterious (REVEL: 0.78). Most pathogenic NOTCH3 variants occur in exons 2-24 and either create or destroy a cysteine residue within an EGF-like domain (Rutten 2014), and thus the p.Arg207Cys variant is consistent with the predominant mechanism of disease in NOTCH3. Based on available information, this variant is considered to be likely pathogenic. References: Dotti MT et al. The spectrum of Notch3 mutations in 28 Italian CADASIL families. J Neurol Neurosurg Psychiatry. 2005 May;76(5):736-8. PMID: 15834039. Escary JL et al. Evaluation of DHPLC analysis in mutational scanning of Notch3, a gene with a high G-C content. Hum Mutat. 2000 Dec;16(6):518-26. PMID: 11102981. Gravesteijn G. NOTCH3 variant position is associated with NOTCH3 aggregation load in CADASIL vasculature. Neuropathol Appl Neurobiol. 2022 Feb;48(1):e12751. PMID: 34297860. Joutel A et al. Skin biopsy immunostaining with a Notch3 monoclonal antibody for CADASIL diagnosis. Lancet. 2001 Dec 15;358(9298):2049-51. PMID: 11755616. Juhosova M et al. Influence of different spectra of NOTCH3 variants on the clinical phenotype of CADASIL - experience from Slovakia. Neurogenetics. 2023 Jan;24(1):1-16. PMID: 36401683. Matsushima T et al. Genotype-phenotype correlations of cysteine replacement in CADASIL. Neurobiol Aging. 2017 Feb;50:169.e7-169.e14. PMID: 27890607. Mukai M et al. Genotype-phenotype correlations and effect of mutation location in Japanese CADASIL patients. J Hum Genet. 2020 Aug;65(8):637-646. PMID: 32277177. Oberstein SA et al. Diagnostic Notch3 sequence analysis in CADASIL: three new mutations in Dutch patients. Dutch CADASIL Research Group. Neurology. 1999 Jun 10;52(9):1913-5. PMID: 10371548. Opherk C et al. Long-term prognosis and causes of death in CADASIL: a retrospective study in 411 patients. Brain. 2004 Nov;127(Pt 11):2533-9. PMID: 15364702. Rutten JW et al. Interpretation of NOTCH3 mutations in the diagnosis of CADASIL. Expert Rev Mol Diagn. 2014 Jun;14(5):593-603. PMID: 24844136. Singhal S et al. The influence of genetic and cardiovascular risk factors on the CADASIL phenotype. Brain. 2004 Sep;127(Pt 9):2031-8. PMID: 15229130.

Women's Health and Genetics/Laboratory Corporation of America, LabCorp
Classification: Pathogenic for Cerebral arteriopathy, autosomal dominant, with subcortical infarcts and leukoencephalopathy, type 1. Last evaluated: 2025-02-03. Review status: criteria provided, single submitter. Criteria: LabCorp Variant Classification Summary - May 2015. Collection method: clinical testing. Allele origin: germline.
Comment: Variant summary: NOTCH3 c.619C>T (p.Arg207Cys) results in a non-conservative amino acid change located in the EGF like domain of the encoded protein sequence. Five of five in-silico tools predict a damaging effect of the variant on protein function. The variant allele was found at a frequency of 8e-06 in 250308 control chromosomes. c.619C>T has been reported in the literature in multiple individuals affected with Cerebral arteriopathy, autosomal dominant, with subcortical infarcts and leukoencephalopathy, type 1 (example: Hack_2022). These data indicate that the variant is very likely to be associated with disease. The following publication has been ascertained in the context of this evaluation (PMID: 35862191). ClinVar contains an entry for this variant (Variation ID: 447862). Based on the evidence outlined above, the variant was classified as pathogenic.

Genomic Medicine Center of Excellence, King Faisal Specialist Hospital and Research Centre
Classification: Likely pathogenic for Cerebral arteriopathy, autosomal dominant, with subcortical infarcts and leukoencephalopathy, type 1. Last evaluated: 2024-10-07. Review status: criteria provided, single submitter. Criteria: ACMG Guidelines, 2015. Collection method: clinical testing. Allele origin: germline.

CeGaT Center for Human Genetics Tuebingen
Classification: Pathogenic. Last evaluated: 2024-10-01. Review status: criteria provided, single submitter. Criteria: CeGaT Center For Human Genetics Tuebingen Variant Classification Criteria Version 2. Collection method: clinical testing. Allele origin: germline. Affected: yes. Observed: 2 variant alleles.
Comment: NOTCH3: PM1:Strong, PM2, PS4:Moderate, PP2, PP4

Mayo Clinic Laboratories, Mayo Clinic
Classification: Pathogenic. Last evaluated: 2024-05-31. Review status: criteria provided, single submitter. Criteria: ACMG Guidelines, 2015. Collection method: clinical testing. Allele origin: germline. Observed: 8 variant alleles.
Comment: PP1, PP2, PP3, PP4, PM1, PS4

Human Genetics Bochum, Ruhr University Bochum
Classification: Likely pathogenic for Cerebral arteriopathy, autosomal dominant, with subcortical infarcts and leukoencephalopathy, type 1. Last evaluated: 2024-02-02. Review status: criteria provided, single submitter. Criteria: ACMG Guidelines, 2015. Collection method: clinical testing. Allele origin: germline. Affected: yes.
Comment: ACMG criteria used to clasify this variant: PS4, PM1, PM2_SUP, PP3

GeneDx
Classification: Likely pathogenic. Last evaluated: 2023-10-04. Review status: criteria provided, single submitter. Criteria: GeneDx Variant Classification Process June 2021. Collection method: clinical testing. Allele origin: germline. Affected: yes.
Comment: In silico analysis supports that this missense variant has a deleterious effect on protein structure/function; This variant is associated with the following publications: (PMID: 27890607, 31589614, 36535904, 35822697, 34297860, 31433517, 36401683, Moroz2018[CaseReport], 20935329, 16009764, 11102981, 15834039, 32277177, Dogan2023[casereport], 24844136)

NM_000435.3(NOTCH3):c.619C>T (p.Arg207Cys)

Gene: NOTCH3 (notch receptor 3; minus strand). Cytogenetic location: 19p13.12.
Variant type: single nucleotide variant.
Coding change: c.619C>T on transcript NM_000435.3 (MANE Select); coding-DNA position 619, C replaced by T.
Protein change: p.Arg207Cys; replaces arginine 207 with cysteine.
Molecular consequence: missense variant.
Genome position (GRCh38, 1-based): chr19:15,192,020, G>A on the plus strand (C>T on the coding strand, the complement: NOTCH3 is on the minus strand). VCF-style: chr19-15192020-G-A. GRCh37 (hg19) VCF-style: chr19-15302831-G-A.
Other names: short protein forms R207C.
Identifiers: ClinVar variation 447862 (VCV000447862.71), dbSNP rs775267348, ClinGen allele CA9263848.